The following is an entry in ClinVar:

ClinVar aggregate classification (germline): Pathogenic. Review status: criteria provided, multiple submitters, no conflicts (2 of 4 stars). 2 submissions from 2 submitters: Pathogenic (2). Last evaluated 2023-12-05.

Conditions:
Primary ciliary dyskinesia. Also called: Ciliary dyskinesia. Identifiers: Orphanet 244, MedGen C0008780, MONDO:0016575, HP:0012265.

Submissions (2):

Labcorp Genetics (formerly Invitae), Labcorp
Classification: Pathogenic for Primary ciliary dyskinesia. Last evaluated: 2023-12-05. Review status: criteria provided, single submitter. Criteria: Invitae Variant Classification Sherloc (09022015). Collection method: clinical testing. Allele origin: germline.
Comment: This sequence change creates a premature translational stop signal (p.Glu3683*) in the DNAH5 gene. It is expected to result in an absent or disrupted protein product. Loss-of-function variants in DNAH5 are known to be pathogenic (PMID: 11788826, 16627867). This variant is not present in population databases (gnomAD no frequency). This variant has not been reported in the literature in individuals affected with DNAH5-related conditions. ClinVar contains an entry for this variant (Variation ID: 1454058). Algorithms developed to predict the effect of sequence changes on RNA splicing suggest that this variant may disrupt the consensus splice site. For these reasons, this variant has been classified as Pathogenic.

Ambry Genetics
Classification: Pathogenic for Primary ciliary dyskinesia. Last evaluated: 2015-10-20. Review status: criteria provided, single submitter. Criteria: Ambry Variant Classification Scheme 2023. Collection method: clinical testing. Allele origin: germline.
Comment: The c.11047_11050delGAAG pathogenic mutation, located in coding exon 65 of the DNAH5 gene, results from a deletion of 4 nucleotides between nucleotide positions 11047 and 11050, causing a translational frameshift with a predicted alternate stop codon (p.E3683*) . Since frameshifts are typically deleterious in nature, this alteration is interpreted as a disease-causing mutation (ACMG Recommendations for Standards for Interpretation and Reporting of Sequence Variations. Revision 2007. Genet Med. 2008;10:294).

Literature cited by the submitters: PubMed 11788826 (cited by Labcorp Genetics (formerly Invitae), Labcorp); PubMed 16627867 (cited by Labcorp Genetics (formerly Invitae), Labcorp).

NM_001369.3(DNAH5):c.11047_11050del (p.Lys3682_Glu3683insTer)

Gene: DNAH5 (dynein axonemal heavy chain 5; minus strand). Cytogenetic location: 5p15.2.
Variant type: Deletion.
Coding change: c.11047_11050del on transcript NM_001369.3 (MANE Select); coding-DNA positions 11047 to 11050, 4 bases deleted (GAAG; older notation c.11047_11050delGAAG).
Protein change: p.Lys3682_Glu3683insTer.
Molecular consequence: nonsense.
Genome position (GRCh38, 1-based): chr5:13,751,239-13,751,242, CTTC deleted on the plus strand (GAAG on the coding strand, the reverse complement: DNAH5 is on the minus strand); deleting any 4 consecutive bases within chr5:13,751,239-13,751,245 gives the same sequence; the c. name uses the placement nearest the transcript's 3' end. VCF-style (leftmost placement, unchanged base first): chr5-13751238-ACTTC-A. GRCh37 (hg19) VCF-style: chr5-13751347-ACTTC-A.
Identifiers: ClinVar variation 1454058 (VCV001454058.8), dbSNP rs1750178563, ClinGen allele CA1073401267.